The following is an entry in ClinVar:

NM_001366385.1(CARD14):c.2007G>A (p.Glu669=)

Genes: SGSH (N-sulfoglucosamine sulfohydrolase; minus strand), CARD14 (caspase recruitment domain family member 14; plus strand). Cytogenetic location: 17q25.3.
Variant type: single nucleotide variant.
Coding change: c.2007G>A on transcript NM_001366385.1 (MANE Select); coding-DNA position 2007, G replaced by A.
Protein change: p.Glu669=; no amino-acid change (glutamic acid 669 retained).
Molecular consequence: synonymous variant. On other transcripts: non-coding transcript variant (1).
Genome position (GRCh38, 1-based): chr17:80,202,208, G>A. VCF-style: chr17-80202208-G-A. GRCh37 (hg19) VCF-style: chr17-78176007-G-A.
Other names: c.2007G>A, p.Glu669= (NM_001257970.1, NM_024110.4).
Identifiers: ClinVar variation 2500010 (VCV002500010.2), dbSNP rs2510722046, ClinGen allele CA502404253.

ClinVar aggregate classification (germline): Uncertain significance (1 of 4 stars; one submission).

Conditions:
Psoriasis 2. Identifiers: MedGen C1864497, MONDO:0011269, OMIM 602723.
Pityriasis rubra pilaris (PRP). Also called: Pityriasis rubra pilaris--familial type. Identifiers: Orphanet 2897, MedGen C0032027, MONDO:0100017, OMIM 173200, MONDO:0008251.

Allele frequency attached by ClinVar (database versions not stated): gnomAD exomes below 0.00001.
gnomAD v4.1: 1 of 1,613,966 alleles (0.000062%); highest among the groups gnomAD compares: East Asian, 0.0022%; no homozygotes.

Submission:

Center for Genomics, Ann and Robert H. Lurie Children's Hospital of Chicago
Classification: Uncertain significance for Psoriasis 2; Pityriasis rubra pilaris. Review status: criteria provided, single submitter. Criteria: ACMG Guidelines, 2015. Collection method: clinical testing. Allele origin: germline.
Comment: This variant has not been reported in the literature and is not present in large control databases. Of note, this is a silent variant which does not change the amino acid, occurs at a nucleotide position that is weakly conserved evolutionarily, and is not predicted to impact splicing, reducing the probability that this variant is disease-causing. In summary, data on this variant is insufficient for disease classification. Therefore, the clinical significance of this variant is uncertain.